The following is an entry in ClinVar:

NM_138370.3(PKDCC):c.547G>A (p.Gly183Arg)

Genes: PKDCC (protein kinase domain containing, cytoplasmic; plus strand), LOC129933566 (ATAC-STARR-seq lymphoblastoid active region 15635; plus strand). Cytogenetic location: 2p21.
Variant type: single nucleotide variant.
Coding change: c.547G>A on transcript NM_138370.3 (MANE Select); coding-DNA position 547, G replaced by A.
Protein change: p.Gly183Arg; replaces glycine 183 with arginine.
Molecular consequence: missense variant.
Genome position (GRCh38, 1-based): chr2:42,048,746, G>A. VCF-style: chr2-42048746-G-A. GRCh37 (hg19) VCF-style: chr2-42275886-G-A.
Other names: c.547G>A (NM_138370.2); short protein forms G183R.
Identifiers: ClinVar variation 1509730 (VCV001509730.9), dbSNP rs2103922689, ClinGen allele CA346623398.

ClinVar aggregate classification (germline): Uncertain significance. Review status: criteria provided, multiple submitters, no conflicts (2 of 4 stars). 2 submissions from 2 submitters: Uncertain significance (2). Last evaluated 2024-10-16.

Conditions:
Inborn genetic diseases. Identifiers: MedGen C0950123, MeSH D030342.

Submissions (2):

Ambry Genetics
Classification: Uncertain significance for Inborn genetic diseases. Last evaluated: 2024-10-16. Review status: criteria provided, single submitter. Criteria: Ambry Variant Classification Scheme 2023. Collection method: clinical testing. Allele origin: germline.

Labcorp Genetics (formerly Invitae), Labcorp
Classification: Uncertain significance. Last evaluated: 2021-05-31. Review status: criteria provided, single submitter. Criteria: Invitae Variant Classification Sherloc (09022015). Collection method: clinical testing. Allele origin: germline.
Comment: In summary, the available evidence is currently insufficient to determine the role of this variant in disease. Therefore, it has been classified as a Variant of Uncertain Significance. Algorithms developed to predict the effect of missense changes on protein structure and function are either unavailable or do not agree on the potential impact of this missense change (SIFT: "Deleterious"; PolyPhen-2: "Benign"; Align-GVGD: "Class C0"). This variant has not been reported in the literature in individuals with PKDCC-related conditions. This variant is not present in population databases (ExAC no frequency). This sequence change replaces glycine with arginine at codon 183 of the PKDCC protein (p.Gly183Arg). The glycine residue is moderately conserved and there is a moderate physicochemical difference between glycine and arginine.